The following is an entry in ClinVar:

ClinVar aggregate classification (germline): Likely benign. Review status: criteria provided, multiple submitters, no conflicts (2 of 4 stars). 3 submissions from 3 submitters: Likely benign (2). 1 of the submissions does not count toward it. Last evaluated 2025-12-03.

Conditions:
PALLD-related disorder. Also called: PALLD-related condition.
Pancreatic adenocarcinoma. Identifiers: MedGen C0281361, MONDO:0006047, HP:0006725.

Submissions (3):

Labcorp Genetics (formerly Invitae), Labcorp
Classification: Likely benign for Pancreatic adenocarcinoma. Last evaluated: 2025-12-03. Review status: criteria provided, single submitter. Criteria: Invitae Variant Classification Sherloc (09022015). Collection method: clinical testing. Allele origin: germline.

Ambry Genetics
Classification: Likely benign. Last evaluated: 2021-12-10. Review status: criteria provided, single submitter. Criteria: Ambry Variant Classification Scheme 2023. Collection method: clinical testing. Allele origin: germline.

PreventionGenetics, part of Exact Sciences
Classification: Likely benign for PALLD-related condition. Last evaluated: 2020-05-07. Review status: no assertion criteria provided. Collection method: clinical testing. Allele origin: germline. Not counted in ClinVar's aggregate classification.
Comment: This variant is classified as likely benign based on ACMG/AMP sequence variant interpretation guidelines (Richards et al. 2015 PMID: 25741868, with internal and published modifications).

NM_001166108.2(PALLD):c.1965-12749G>C

Gene: PALLD (palladin, cytoskeletal associated protein; plus strand). Cytogenetic location: 4q32.3.
Variant type: single nucleotide variant.
Coding change: c.1965-12749G>C on transcript NM_001166108.2 (MANE Select); 12749 bases into the intron before coding-DNA position 1965, G replaced by C.
Molecular consequence: intron variant. On other transcripts: synonymous variant (1).
Genome position (GRCh38, 1-based): chr4:168,878,173, G>C. VCF-style: chr4-168878173-G-C. GRCh37 (hg19) VCF-style: chr4-169799324-G-C.
Other names: c.282G>C, p.Pro94= (NM_001166110.2); c.1965-12749G>C (NM_016081.4); c.819-12749G>C (NM_001166109.2); c.-157-12749G>C (NM_001367570.1, NM_001367568.1, NM_001367567.1 and 1 more transcripts).
Identifiers: ClinVar variation 1796576 (VCV001796576.5), dbSNP rs1209607829, ClinGen allele CA556453479.